The following is an entry in ClinVar:

NM_017752.3(TBC1D8B):c.2734A>G (p.Thr912Ala)

Gene: TBC1D8B (TBC1 domain family member 8B; plus strand). Cytogenetic location: Xq22.3.
Variant type: single nucleotide variant.
Coding change: c.2734A>G on transcript NM_017752.3 (MANE Select); coding-DNA position 2734, A replaced by G.
Protein change: p.Thr912Ala; replaces threonine 912 with alanine.
Molecular consequence: missense variant.
Genome position (GRCh38, 1-based): chrX:106,868,398, A>G. VCF-style: chrX-106868398-A-G. GRCh37 (hg19) VCF-style: chrX-106111628-A-G.
Other names: short protein forms T912A.
Identifiers: ClinVar variation 3676082 (VCV003676082.2).

ClinVar aggregate classification (germline): Uncertain significance (1 of 4 stars; one submission).

gnomAD v4.1: 6 of 998,389 alleles (0.0006%); highest among the groups gnomAD compares: African/African-American, 0.0098%; no homozygotes.

Submission:

Labcorp Genetics (formerly Invitae), Labcorp
Classification: Uncertain significance. Last evaluated: 2024-03-09. Review status: criteria provided, single submitter. Criteria: Invitae Variant Classification Sherloc (09022015). Collection method: clinical testing. Allele origin: germline.
Comment: This sequence change replaces threonine, which is neutral and polar, with alanine, which is neutral and non-polar, at codon 912 of the TBC1D8B protein (p.Thr912Ala). This variant is not present in population databases (gnomAD no frequency). This variant has not been reported in the literature in individuals affected with TBC1D8B-related conditions. An algorithm developed to predict the effect of missense changes on protein structure and function (PolyPhen-2) suggests that this variant is likely to be tolerated. In summary, the available evidence is currently insufficient to determine the role of this variant in disease. Therefore, it has been classified as a Variant of Uncertain Significance.